The following is an entry in ClinVar:

NM_001145860.2(POP1):c.2967C>G (p.Gly989=)

Gene: POP1 (POP1 ribonuclease P/MRP subunit; plus strand). Cytogenetic location: 8q22.2.
Variant type: single nucleotide variant.
Coding change: c.2967C>G on transcript NM_001145860.2 (MANE Select); coding-DNA position 2967, C replaced by G.
Protein change: p.Gly989=; no amino-acid change (glycine 989 retained).
Molecular consequence: synonymous variant.
Genome position (GRCh38, 1-based): chr8:98,158,163, C>G. VCF-style: chr8-98158163-C-G. GRCh37 (hg19) VCF-style: chr8-99170391-C-G.
Other names: c.2967C>G, p.Gly989= (NM_001145861.2, NM_015029.3).
Identifiers: ClinVar variation 5040119 (VCV005040119.1).

ClinVar aggregate classification (germline): Likely benign (1 of 4 stars; one submission).

Submission:

CeGaT Center for Human Genetics Tuebingen
Classification: Likely benign. Last evaluated: 2026-07-01. Review status: criteria provided, single submitter. Criteria: CeGaT Center For Human Genetics Tuebingen Variant Classification Criteria Version 2. Collection method: clinical testing. Allele origin: germline. Affected: yes. Observed: 1 variant allele.
Comment: POP1: PM2:Supporting, BP4, BP7